The following is an entry in ClinVar:

ClinVar aggregate classification (germline): Benign. Review status: criteria provided, multiple submitters, no conflicts (2 of 4 stars). 2 submissions from 2 submitters: Benign (2). Last evaluated 2018-06-14.

Allele frequency attached by ClinVar (database versions not stated): 1000 Genomes Project 0.12420; 1000 Genomes Project 30x 0.13070; gnomAD 0.16762 and 0.17387; TOPMed 0.16801.
gnomAD v4.1: 25,491 of 152,160 alleles (17%); highest among the groups gnomAD compares: African/African-American, 24%; 2,451 homozygotes.

Submissions (2):

GeneDx
Classification: Benign. Last evaluated: 2018-06-14. Review status: criteria provided, single submitter. Criteria: GeneDx Variant Classification (06012015). Collection method: clinical testing. Allele origin: germline. Affected: yes.
Comment: This variant is considered likely benign or benign based on one or more of the following criteria: it is a conservative change, it occurs at a poorly conserved position in the protein, it is predicted to be benign by multiple in silico algorithms, and/or has population frequency not consistent with disease.

Breakthrough Genomics
Classification: Benign. Review status: criteria provided, single submitter. Criteria: ACMG Guidelines, 2015. Collection method: not provided. Allele origin: germline. Inheritance: Autosomal recessive inheritance. Affected: yes.

NM_001130987.2(DYSF):c.2565+234G>T

Gene: DYSF (dysferlin; plus strand). Cytogenetic location: 2p13.2.
Variant type: single nucleotide variant.
Coding change: c.2565+234G>T on transcript NM_001130987.2 (MANE Select); 234 bases into the intron after coding-DNA position 2565, G replaced by T.
Molecular consequence: intron variant.
Genome position (GRCh38, 1-based): chr2:71,564,447, G>T. VCF-style: chr2-71564447-G-T. GRCh37 (hg19) VCF-style: chr2-71791577-G-T.
Other names: c.2469+234G>T (NM_001130976.2, NM_001130977.2); c.2607+234G>T (NM_001130982.2); c.2565+234G>T (NM_001130985.2); c.2514+234G>T (NM_001130983.2, NM_001130455.2); c.2472+234G>T (NM_001130984.2, NM_001130986.2); c.2604+234G>T (NM_001130979.2); c.2562+234G>T (NM_001130981.2, NM_001130980.2); c.2511+234G>T (NM_001130978.2, NM_003494.4).
Identifiers: ClinVar variation 679424 (VCV000679424.2), dbSNP rs17007067, ClinGen allele CA11118036.